The following is an entry in ClinVar:

NM_001378964.1(CDON):c.2474G>A (p.Arg825His)

Gene: CDON (cell adhesion associated, oncogene regulated; minus strand). Cytogenetic location: 11q24.2.
Variant type: single nucleotide variant.
Coding change: c.2474G>A on transcript NM_001378964.1 (MANE Select); coding-DNA position 2474, G replaced by A.
Protein change: p.Arg825His; replaces arginine 825 with histidine.
Molecular consequence: missense variant.
Genome position (GRCh38, 1-based): chr11:125,994,941, C>T on the plus strand (G>A on the coding strand, the complement: CDON is on the minus strand). VCF-style: chr11-125994941-C-T. GRCh37 (hg19) VCF-style: chr11-125864836-C-T.
Other names: c.2474G>A, p.Arg825His (NM_001243597.3, NM_016952.6); short protein forms R825H.
Identifiers: ClinVar variation 2584962 (VCV002584962.1), dbSNP rs369829411, ClinGen allele CA6351712.
Genomic context (GRCh38, chr11:125,994,941, plus strand): 5'-AGCATGATCTGAGTATCGCTGACAGCCTCTGTGTATGCAATGTGAGGTCCAGTTATTGGA[C>T]GGCTGGAAAAGCGATTGGGGAACCCAACCACTTGATAAGGACGAGATGCTGAACTCCGAA-3'
Protein context (NP_001365893.1, residues 815-835): VVGFPNRFSS[Arg825His]PITGPHIAYT

ClinVar aggregate classification (germline): Uncertain significance (1 of 4 stars; one submission).

Conditions:
Holoprosencephaly 11 (HPE11). Identifiers: Orphanet 2162, MedGen C3280215, MONDO:0013642, OMIM 614226.

Allele frequency attached by ClinVar (database versions not stated): gnomAD 0.00001; TOPMed 0.00001; ExAC 0.00002; gnomAD exomes 0.00002; 1000 Genomes Project 30x 0.00016.

Submission:

Neuberg Centre For Genomic Medicine, NCGM
Classification: Uncertain significance for Holoprosencephaly 11. Review status: criteria provided, single submitter. Criteria: ACMG Guidelines, 2015. Collection method: clinical testing. Allele origin: germline. Inheritance: Autosomal dominant inheritance. Affected: yes.
Comment: The missense variant c.2474G>A (p.Arg825His) in CDON gene has not been reported previously as a pathogenic variant nor as a benign variant, to our knowledge. This variant has not been reported to the ClinVar database. The p.Arg825His variant is novel (not in any individuals) in 1000 Genomes and allele frequency of 0.00001061 is reported in gnomAD. The amino acid Arg at position 825 is changed to a His changing protein sequence and it might alter its composition and physico-chemical properties. The variant is predicted to be damaging by both SIFT and PolyPhen2. The residue is conserved across species. The amino acid change p.Arg825His in CDON is predicted as conserved by GERP++ and PhyloP across 100 vertebrates. For these reasons, this variant has been classified as Uncertain Significance.